The following is an entry in ClinVar:

ClinVar aggregate classification (germline): Uncertain significance (1 of 4 stars; one submission).

Conditions:
Charcot-Marie-Tooth disease type 2. Also called: Charcot-Marie-Tooth type 2. Identifiers: Orphanet 64746, MedGen C0270914, MONDO:0018993.

Submission:

Labcorp Genetics (formerly Invitae), Labcorp
Classification: Uncertain significance for Charcot-Marie-Tooth disease type 2. Last evaluated: 2021-05-18. Review status: criteria provided, single submitter. Criteria: Invitae Variant Classification Sherloc (09022015). Collection method: clinical testing. Allele origin: germline.
Comment: This variant has not been reported in the literature in individuals with AARS-related conditions. Algorithms developed to predict the effect of missense changes on protein structure and function are either unavailable or do not agree on the potential impact of this missense change (SIFT: "Deleterious"; PolyPhen-2: "Probably Damaging"; Align-GVGD: "Class C0"). In summary, the available evidence is currently insufficient to determine the role of this variant in disease. Therefore, it has been classified as a Variant of Uncertain Significance. This sequence change replaces threonine with isoleucine at codon 72 of the AARS protein (p.Thr72Ile). The threonine residue is highly conserved and there is a moderate physicochemical difference between threonine and isoleucine. This variant is not present in population databases (ExAC no frequency).

NM_001605.3(AARS1):c.215C>T (p.Thr72Ile)

Gene: AARS1 (alanyl-tRNA synthetase 1; minus strand). Cytogenetic location: 16q22.1.
Variant type: single nucleotide variant.
Coding change: c.215C>T on transcript NM_001605.3 (MANE Select); coding-DNA position 215, C replaced by T.
Protein change: p.Thr72Ile; replaces threonine 72 with isoleucine.
Molecular consequence: missense variant.
Genome position (GRCh38, 1-based): chr16:70,277,084, G>A on the plus strand (C>T on the coding strand, the complement: AARS1 is on the minus strand). VCF-style: chr16-70277084-G-A. GRCh37 (hg19) VCF-style: chr16-70310987-G-A.
Other names: short protein forms T72I.
Identifiers: ClinVar variation 1682327 (VCV001682327.8), dbSNP rs2152167036, ClinGen allele CA396569705.